The following is an entry in ClinVar:

NM_001365276.2(TNXB):c.12223C>T (p.Arg4075Cys)

Genes: TNXB (tenascin XB; minus strand), LOC106780803 (tenascin XB recombination region; plus strand). Cytogenetic location: 6p21.33.
Variant type: single nucleotide variant.
Coding change: c.12223C>T on transcript NM_001365276.2 (MANE Select); coding-DNA position 12223, C replaced by T.
Protein change: p.Arg4075Cys; replaces arginine 4075 with cysteine.
Molecular consequence: missense variant.
Genome position (GRCh38, 1-based): chr6:32,042,350, G>A on the plus strand (C>T on the coding strand, the complement: TNXB is on the minus strand). VCF-style: chr6-32042350-G-A. GRCh37 (hg19) VCF-style: chr6-32010127-G-A.
Other names: c.12217C>T, p.Arg4073Cys (NM_019105.8); c.1510C>T, p.Arg504Cys (NM_032470.4); short protein forms R4073C, R4075C, R504C.
Identifiers: ClinVar variation 1309332 (VCV001309332.2), dbSNP rs1562769769, ClinGen allele CA363517113.
Genomic context (GRCh38, chr6:32,042,350, plus strand): 5'-TCCCAAAACCATGGGCATAGTCCTCCCAGTCCCTCCAGAAGTCTGTCTGTCCATCCATGC[G>A]GCGCTGGAACACCTGGGAAGCAAGTGGGGGCACCATCAGCCTCTGGCTCCCGGGGCAACA-3'
Protein context (NP_001352205.1, residues 4065-4085): DGGGWLVFQR[Arg4075Cys]MDGQTDFWRD

ClinVar aggregate classification (germline): Uncertain significance (1 of 4 stars; one submission).

Allele frequency attached by ClinVar (database versions not stated): gnomAD exomes below 0.00001.
gnomAD v4.1: 15 of 1,561,472 alleles (0.00096%); highest among the groups gnomAD compares: Non-Finnish European, 0.0012%; no homozygotes.

Submission:

GeneDx
Classification: Uncertain significance. Last evaluated: 2019-11-05. Review status: criteria provided, single submitter. Criteria: GeneDx Variant Classification Process June 2021. Collection method: clinical testing. Allele origin: germline. Affected: yes.
Comment: Not observed at a significant frequency in large population cohorts (Lek et al., 2016); In silico analysis, which includes protein predictors and evolutionary conservation, supports a deleterious effect; Has not been previously published as pathogenic or benign to our knowledge